The following is an entry in ClinVar:

ClinVar aggregate classification (germline): Uncertain significance (1 of 4 stars; one submission).

Conditions:
Autosomal recessive limb-girdle muscular dystrophy type 2O. Also called: Limb-Girdle Muscular Dystrophy Type 3C; MUSCULAR DYSTROPHY-DYSTROGLYCANOPATHY (LIMB-GIRDLE), TYPE C, 3; MUSCULAR DYSTROPHY-DYSTROGLYCANOPATHY, LIMB-GIRDLE, POMGNT1-RELATED. Identifiers: Orphanet 206564, MedGen C3150417, MONDO:0013161, OMIM 613157.
Muscular dystrophy-dystroglycanopathy (congenital with impaired intellectual development), type B, 3. Also called: Muscular dystrophy-dystroglycanopathy (congenital with intellectual disability), type B3; MUSCULAR DYSTROPHY, CONGENITAL, POMGNT1-RELATED. Identifiers: MedGen C3150412, MONDO:0013155, OMIM 613151.

Submission:

Labcorp Genetics (formerly Invitae), Labcorp
Classification: Uncertain significance for Autosomal recessive limb-girdle muscular dystrophy type 2O; Muscular dystrophy-dystroglycanopathy (congenital with impaired intellectual development), type B, 3. Last evaluated: 2022-06-10. Review status: criteria provided, single submitter. Criteria: Invitae Variant Classification Sherloc (09022015). Collection method: clinical testing. Allele origin: germline.
Comment: This variant is not present in population databases (gnomAD no frequency). This sequence change replaces proline, which is neutral and non-polar, with leucine, which is neutral and non-polar, at codon 229 of the POMGNT1 protein (p.Pro229Leu). This variant has not been reported in the literature in individuals affected with POMGNT1-related conditions. In summary, the available evidence is currently insufficient to determine the role of this variant in disease. Therefore, it has been classified as a Variant of Uncertain Significance. Algorithms developed to predict the effect of sequence changes on RNA splicing suggest that this variant may disrupt the consensus splice site. Advanced modeling of protein sequence and biophysical properties (such as structural, functional, and spatial information, amino acid conservation, physicochemical variation, residue mobility, and thermodynamic stability) performed at Invitae indicates that this missense variant is not expected to disrupt POMGNT1 protein function.

NM_017739.4(POMGNT1):c.686C>T (p.Pro229Leu)

Genes: POMGNT1 (protein O-linked mannose N-acetylglucosaminyltransferase 1 (beta 1,2-); minus strand), TSPAN1 (tetraspanin 1; plus strand). Cytogenetic location: 1p34.1.
Variant type: single nucleotide variant.
Coding change: c.686C>T on transcript NM_017739.4 (MANE Select); coding-DNA position 686, C replaced by T.
Protein change: p.Pro229Leu; replaces proline 229 with leucine.
Molecular consequence: missense variant.
Genome position (GRCh38, 1-based): chr1:46,194,618, G>A on the plus strand (C>T on the coding strand, the complement: POMGNT1 is on the minus strand). VCF-style: chr1-46194618-G-A. GRCh37 (hg19) VCF-style: chr1-46660290-G-A.
Other names: c.686C>T, p.Pro229Leu (NM_001243766.2, NM_001410783.1); c.620C>T, p.Pro207Leu (NM_001290129.3); c.257C>T, p.Pro86Leu (NM_001290130.2); short protein forms P207L, P229L, P86L.
Identifiers: ClinVar variation 2112655 (VCV002112655.4), dbSNP rs2525429488, ClinGen allele CA340184336.